The following is an entry in ClinVar:

NM_016553.5(NUP62):c.1321G>A (p.Asp441Asn)

Genes: IL4I1 (interleukin 4 induced 1; minus strand), NUP62 (nucleoporin 62; minus strand). Cytogenetic location: 19q13.33.
Variant type: single nucleotide variant.
Coding change: c.1321G>A on transcript NM_016553.5 (MANE Select); coding-DNA position 1321, G replaced by A.
Protein change: p.Asp441Asn; replaces aspartic acid 441 with asparagine.
Molecular consequence: missense variant. On other transcripts: intron variant (3).
Genome position (GRCh38, 1-based): chr19:49,908,487, C>T on the plus strand (G>A on the coding strand, the complement: NUP62 is on the minus strand). VCF-style: chr19-49908487-C-T. GRCh37 (hg19) VCF-style: chr19-50411744-C-T.
Other names: c.1321G>A, p.Asp441Asn (NM_001193357.2, NM_012346.5, NM_153718.4 and 1 more transcripts); c.-227-4166G>A (NM_001258017.2, NM_172374.3); c.-285-4166G>A (NM_001258018.2); short protein forms D441N.
Identifiers: ClinVar variation 2175297 (VCV002175297.4), dbSNP rs372597263, ClinGen allele CA9588913.

ClinVar aggregate classification (germline): Uncertain significance. Review status: criteria provided, multiple submitters, no conflicts (2 of 4 stars). 2 submissions from 2 submitters: Uncertain significance (2). Last evaluated 2025-02-13.

Allele frequency attached by ClinVar (database versions not stated): gnomAD 0.00003; ESP Exome Variant Server 0.00008.
gnomAD v4.1: 21 of 1,614,008 alleles (0.0013%); highest among the groups gnomAD compares: African/African-American, 0.0053%; no homozygotes.

Submissions (2):

Ambry Genetics
Classification: Uncertain significance. Last evaluated: 2025-02-13. Review status: criteria provided, single submitter. Criteria: Ambry Variant Classification Scheme 2023. Collection method: clinical testing. Allele origin: germline.

Labcorp Genetics (formerly Invitae), Labcorp
Classification: Uncertain significance. Last evaluated: 2022-09-30. Review status: criteria provided, single submitter. Criteria: Invitae Variant Classification Sherloc (09022015). Collection method: clinical testing. Allele origin: germline.
Comment: In summary, the available evidence is currently insufficient to determine the role of this variant in disease. Therefore, it has been classified as a Variant of Uncertain Significance. Algorithms developed to predict the effect of missense changes on protein structure and function (SIFT, PolyPhen-2, Align-GVGD) all suggest that this variant is likely to be tolerated. This variant has not been reported in the literature in individuals affected with NUP62-related conditions. This variant is present in population databases (rs372597263, gnomAD 0.007%). This sequence change replaces aspartic acid, which is acidic and polar, with asparagine, which is neutral and polar, at codon 441 of the NUP62 protein (p.Asp441Asn).